The following is an entry in ClinVar:

ClinVar aggregate classification (germline): Pathogenic (1 of 4 stars; one submission).

Conditions:
Hereditary cancer-predisposing syndrome. Also called: Neoplastic Syndromes, Hereditary; Tumor predisposition; Hereditary neoplastic syndrome; Hereditary Cancer Syndrome. Identifiers: Orphanet 140162, MedGen C0027672, MeSH D009386, MONDO:0015356.

Submission:

Ambry Genetics
Classification: Pathogenic for Hereditary cancer-predisposing syndrome. Last evaluated: 2026-06-26. Review status: criteria provided, single submitter. Criteria: Ambry Variant Classification Scheme 2023. Collection method: clinical testing. Allele origin: germline.
Comment: The p.Y1038* pathogenic mutation (also known as c.3114T>G), located in coding exon 10 of the BRCA2 gene, results from a T to G substitution at nucleotide position 3114. This changes the amino acid from a tyrosine to a stop codon within coding exon 10. This variant is considered to be rare based on population cohorts in the Genome Aggregation Database (gnomAD). This alteration is expected to result in loss of function by premature protein truncation or nonsense-mediated mRNA decay. As such, this alteration is interpreted as a disease-causing mutation.

NM_000059.4(BRCA2):c.3114T>G (p.Tyr1038Ter)

Gene: BRCA2 (BRCA2 DNA repair associated; plus strand). Cytogenetic location: 13q13.1.
Variant type: single nucleotide variant.
Coding change: c.3114T>G on transcript NM_000059.4 (MANE Select); coding-DNA position 3114, T replaced by G.
Protein change: p.Tyr1038Ter; replaces tyrosine 1038 with a stop codon.
Molecular consequence: nonsense. On other transcripts: non-coding transcript variant (1), intron variant (2).
Genome position (GRCh38, 1-based): chr13:32,337,469, T>G. VCF-style: chr13-32337469-T-G. GRCh37 (hg19) VCF-style: chr13-32911606-T-G.
Other names: c.3114T>G, p.Tyr1038Ter (NM_001406719.1, NM_001406720.1, NM_001432077.1); c.1909+4082T>G (NM_001406721.1); c.424+6439T>G (NM_001406722.1); short protein forms Y1038*.
Identifiers: ClinVar variation 5033253 (VCV005033253.1).